The following is an entry in ClinVar:

NM_022132.5(MCCC2):c.663del (p.Tyr222fs)

Gene: MCCC2 (methylcrotonyl-CoA carboxylase subunit 2; plus strand). Cytogenetic location: 5q13.2.
Variant type: Deletion.
Coding change: c.663del on transcript NM_022132.5 (MANE Select); coding-DNA position 663, one base deleted (C; older notation c.663delC).
Protein change: p.Tyr222fs; shifts the reading frame from tyrosine 222.
Molecular consequence: frameshift variant. On other transcripts: intron variant (1).
Genome position (GRCh38, 1-based): chr5:71,626,678, C deleted; the last of 2 consecutive C bases (chr5:71,626,677-71,626,678); deleting either gives the same sequence. VCF-style (leftmost placement, unchanged base first): chr5-71626676-GC-G. GRCh37 (hg19) VCF-style: chr5-70922503-GC-G.
Other names: c.625-5443del (NM_001363147.1); short protein forms Y222fs.
Identifiers: ClinVar variation 2768644 (VCV002768644.3), dbSNP rs2530808635, ClinGen allele CA2674165289.
Genomic context (GRCh38, chr5:71,626,676, plus strand): 5'-GTTTGTCGTGTGCTTGGATTCCAGATCGCAGTGGTCATGGGCTCCTGCACCGCAGGAGGA[GC>G]CTATGTGCCTGCCATGGCTGATGAAAACATCATTGTACGCAAGCAGGGTACCATTTTCTT-3'

ClinVar aggregate classification (germline): Pathogenic (1 of 4 stars; one submission).

Conditions:
3-methylcrotonyl-CoA carboxylase 2 deficiency. Also called: 3 alpha methylcrotonyl-CoA carboxylase 2 deficiency; 3 alpha methylcrotonylglycinuria 2; MCC 2 deficiency; Methylcrotonylglycinuria type 2; METHYLCROTONYLGLYCINURIA, TYPE II. Identifiers: Orphanet 6, MedGen C1859499, MONDO:0008862, OMIM 210210.

Submission:

Labcorp Genetics (formerly Invitae), Labcorp
Classification: Pathogenic for 3-methylcrotonyl-CoA carboxylase 2 deficiency. Last evaluated: 2023-10-15. Review status: criteria provided, single submitter. Criteria: Invitae Variant Classification Sherloc (09022015). Collection method: clinical testing. Allele origin: germline.
Comment: This sequence change creates a premature translational stop signal (p.Tyr222Metfs*51) in the MCCC2 gene. It is expected to result in an absent or disrupted protein product. Loss-of-function variants in MCCC2 are known to be pathogenic (PMID: 11181649, 22642865). This variant is not present in population databases (gnomAD no frequency). This variant has not been reported in the literature in individuals affected with MCCC2-related conditions. Algorithms developed to predict the effect of sequence changes on RNA splicing suggest that this variant may disrupt the consensus splice site. For these reasons, this variant has been classified as Pathogenic.

Literature cited by the submitters: PubMed 11181649; PubMed 22642865.